The following is an entry in ClinVar:

ClinVar aggregate classification (germline): Uncertain significance. Review status: criteria provided, multiple submitters, no conflicts (2 of 4 stars). 6 submissions from 6 submitters: Uncertain significance (4). 2 of the submissions do not count toward it. Last evaluated 2025-01-21.

Conditions:
Hereditary cancer-predisposing syndrome. Also called: Hereditary Cancer Syndrome; Hereditary neoplastic syndrome; Tumor predisposition; Neoplastic Syndromes, Hereditary. Identifiers: Orphanet 140162, MedGen C0027672, MeSH D009386, MONDO:0015356.
Familial cancer of breast. Also called: BREAST CANCER, FAMILIAL; hereditary breast carcinoma; Hereditary breast cancer. Identifiers: Orphanet 227535, MedGen C0346153, MONDO:0016419, OMIM 114480. Disease mechanism: loss of function.
Pancreatic cancer, susceptibility to, 3. Identifiers: Orphanet 1333, MedGen C3150547, MONDO:0013236, OMIM 613348.

Allele frequency attached by ClinVar (database versions not stated): TOPMed 0.00001.
gnomAD v4.1: 2 of 1,614,042 alleles (0.00012%); highest among the groups gnomAD compares: South Asian, 0.0011%; no homozygotes.

Submissions (6):

Labcorp Genetics (formerly Invitae), Labcorp
Classification: Uncertain significance for Familial cancer of breast. Last evaluated: 2025-01-21. Review status: criteria provided, single submitter. Criteria: Invitae Variant Classification Sherloc (09022015). Collection method: clinical testing. Allele origin: germline.
Comment: This sequence change replaces tyrosine, which is neutral and polar, with histidine, which is basic and polar, at codon 408 of the PALB2 protein (p.Tyr408His). This variant is not present in population databases (gnomAD no frequency). This missense change has been observed in individual(s) with breast cancer and PALB2-related conditions (PMID: 21365267, 32522261, 35610400). ClinVar contains an entry for this variant (Variation ID: 126594). Invitae Evidence Modeling of protein sequence and biophysical properties (such as structural, functional, and spatial information, amino acid conservation, physicochemical variation, residue mobility, and thermodynamic stability) indicates that this missense variant is expected to disrupt PALB2 protein function with a positive predictive value of 80%. Experimental studies have shown that this missense change does not substantially affect PALB2 function (PMID: 29387807, 31636395, 31757951). In summary, the available evidence is currently insufficient to determine the role of this variant in disease. Therefore, it has been classified as a Variant of Uncertain Significance.

Ambry Genetics
Classification: Uncertain significance for Hereditary cancer-predisposing syndrome. Last evaluated: 2023-06-15. Review status: criteria provided, single submitter. Criteria: Ambry General Variant Classification Scheme_2022. Collection method: clinical testing. Allele origin: germline.
Comment: The p.Y408H variant (also known as c.1222T>C), located in coding exon 4 of the PALB2 gene, results from a T to C substitution at nucleotide position 1222. The tyrosine at codon 408 is replaced by histidine, an amino acid with similar properties. This alteration has been detected in multiple hereditary breast/ovarian cancer (HBOC) cohorts (Hofstatter EW et al. Fam Cancer, 2011 Jun;10:225-31; Vel&aacute;zquez C et al. J Transl Med, 2020 Jun;18:232; Lerner-Ellis J et al. J Cancer Res Clin Oncol, 2021 Mar;147:871-879; Gonzalez A et al. Breast Cancer Res Treat, 2022 Jul;194:403-412). This alteration was found to be functionally normal in a homology-directed DNA repair (HDR) assay, a RAD51 foci assay, and in a PARP inhibitor sensitivity assay (Boonen RACM et al. Nat Commun, 2019 Nov;10:5296). This alteration was found to be functionally normal in another homology-directed DNA repair (HDR) assay (Wiltshire T et al. Genet Med, 2020 Mar;22:622-632). This amino acid position is highly conserved in available vertebrate species. In addition, the in silico prediction for this alteration is inconclusive. Since supporting evidence is limited at this time, the clinical significance of this alteration remains unclear.

GeneDx
Classification: Uncertain significance. Last evaluated: 2020-12-29. Review status: criteria provided, single submitter. Criteria: GeneDx Variant Classification Process June 2021. Collection method: clinical testing. Allele origin: germline. Affected: yes.
Comment: Not observed in large population cohorts (Lek 2016); In silico analysis supports that this missense variant has a deleterious effect on protein structure/function; Published functional studies demonstrate no damaging effect: homology directed repair activity, cisplatin sensitivity, PARP inhibitor sensitivity, and ChAM-mediated chromatin localization all comparable to wild-type (Bleuyard 2017, Boonen 2019, Wiltshire 2019); Observed in an individual with a personal history of breast cancer in published literature (Hofstatter 2011); This variant is associated with the following publications: (PMID: 21365267, 31757951, 29387807, 31636395)

Johns Hopkins Genomics, Johns Hopkins University
Classification: Uncertain significance for Familial cancer of breast. Last evaluated: 2020-11-20. Review status: criteria provided, single submitter. Criteria: ACMG Guidelines, 2015. Collection method: clinical testing. Allele origin: germline.
Comment: It is located within the chromatin association motif (ChAM). This variant is absent from a large population dataset and has been reported in ClinVar. Three bioinformatic tools queried predict that this substitution would be damaging, and the tyrosine residue at this position is highly evolutionarily conserved across all species assessed. We consider the clinical significance of c.1222T>C to be uncertain at this time.

Leiden Open Variation Database
Classification: Uncertain significance for Pancreatic cancer, susceptibility to, 3. Last evaluated: 2019-05-13. Review status: no assertion criteria provided. Collection method: curation. Allele origin: germline. Affected: yes. Not counted in ClinVar's aggregate classification.
Comment: Curators: Marc Tischkowitz, Arleen D. Auerbach. Submitter to LOVD: Marc Tischkowitz.

Department of Pathology and Laboratory Medicine, Sinai Health System
Classification: Uncertain significance. Review status: no assertion criteria provided. Collection method: clinical testing. Allele origin: unknown. Affected: yes. Observed: 1 variant allele. Study: The Canadian Open Genetics Repository (COGR). Not counted in ClinVar's aggregate classification.
Comment: The PALB2 p.Tyr408His variant was was identified in 1 of 188 proband chromosomes (frequency: 0.005) from BRCA1/2-negative individuals or families with a personal and/or family history of pancreatic cancer (Hofstatter 2011). The variant was not identified in dbSNP, Cosmic, MutDB, Zhejiang Colon Cancer Database, the 1000 Genomes Project, the NHLBI GO Exome Sequencing Project or the Exome Aggregation Consortium control databases (August 8th 2016). The variant was identified in ClinVar (classified as uncertain significance by PALB2 database) and LOVD 3.0 database (1x). The p.Tyr408 residue is conserved in mammals and computational analyses (PolyPhen-2, SIFT, AlignGVGD, BLOSUM, MutationTaster) provide inconsistent predictions regarding the impact to the protein; this information is not very predictive of pathogenicity. The variant occurs outside of the splicing consensus sequence and in silico or computational prediction software programs (SpliceSiteFinder, MaxEntScan, NNSPLICE, GeneSplicer, HumanSpliceFinder) do not predict a difference in splicing. In summary, based on the above information the clinical significance of this variant cannot be determined with certainty at this time. This variant is classified as a variant of uncertain significance

Literature cited by the submitters: PubMed 21365267 (cited by 4 submitters); PubMed 32522261 (cited by Labcorp Genetics (formerly Invitae), Labcorp and Ambry Genetics); PubMed 35610400 (cited by Labcorp Genetics (formerly Invitae), Labcorp and Ambry Genetics); PubMed 29387807 (cited by Labcorp Genetics (formerly Invitae), Labcorp and Johns Hopkins Genomics, Johns Hopkins University); PubMed 31636395 (cited by 3 submitters); PubMed 31757951 (cited by Labcorp Genetics (formerly Invitae), Labcorp and Ambry Genetics); PubMed 32885271 (cited by Ambry Genetics).

NM_024675.4(PALB2):c.1222T>C (p.Tyr408His)

Gene: PALB2 (partner and localizer of BRCA2; minus strand). Cytogenetic location: 16p12.2.
Variant type: single nucleotide variant.
Coding change: c.1222T>C on transcript NM_024675.4 (MANE Select); coding-DNA position 1222, T replaced by C.
Protein change: p.Tyr408His; replaces tyrosine 408 with histidine.
Molecular consequence: missense variant.
Genome position (GRCh38, 1-based): chr16:23,635,324, A>G on the plus strand (T>C on the coding strand, the complement: PALB2 is on the minus strand). VCF-style: chr16-23635324-A-G. GRCh37 (hg19) VCF-style: chr16-23646645-A-G.
Other names: short protein forms Y408H.
Identifiers: ClinVar variation 126594 (VCV000126594.16), dbSNP rs515726064, ClinGen allele CA151222.
Genomic context (GRCh38, chr16:23,635,324, plus strand): 5'-CAGCCTCCACGGCTACTTTCCTCTGGCAATTGGACATGCTTCGTGTTGTTCTAACATAAT[A>G]TTCTGCAGGAAACAGAAGGCCTTCAGGCACTGTGCAAGAATGTTTTTCTGCAGAAAGAGG-3'
Protein context (NP_078951.2, residues 398-418): VPEGLLFPAE[Tyr408His]YVRTTRSMSN